The following is an entry in ClinVar:

ClinVar aggregate classification (germline): Pathogenic (1 of 4 stars; one submission).

Conditions:
Hereditary hemorrhagic telangiectasia (HHT). Also called: Osler hemorrhagic telangiectasia syndrome; ORW DISEASE; Osler Weber Rendu syndrome; OSLER-RENDU-WEBER DISEASE. Identifiers: Orphanet 774, MedGen C0039445, MONDO:0019180. Disease mechanism: loss of function.

Submission:

Labcorp Genetics (formerly Invitae), Labcorp
Classification: Pathogenic for Hereditary hemorrhagic telangiectasia. Last evaluated: 2019-10-03. Review status: criteria provided, single submitter. Criteria: Invitae Variant Classification Sherloc (09022015). Collection method: clinical testing. Allele origin: germline.
Comment: For these reasons, this variant has been classified as Pathogenic. This sequence change results in a premature translational stop signal in the ENG gene (p.His565Glnfs*8). While this is not anticipated to result in nonsense mediated decay, it is expected to disrupt the last 61 amino acids of the ENG protein. This variant is not present in population databases (ExAC no frequency). This variant has been observed in an individual affected with hereditary hemorrhagic telangiectasia (PMID: 20414677). This variant is also described as c.1695delT (p.His565GlnfsX572) in the literature. This variant disrupts the C-terminus of the ENG protein. Other variant(s) that disrupt this region (p.Leu572*) have been determined to be pathogenic (PMID: 11440987, Invitae). This suggests that variants that disrupt this region of the protein are likely to be causative of disease.

Literature cited by the submitters: PubMed 20414677; PubMed 11440987.

NM_001114753.3(ENG):c.1695del (p.His565fs)

Genes: ENG (endoglin; minus strand), LOC102723566 (uncharacterized LOC102723566; plus strand). Cytogenetic location: 9q34.11.
Variant type: Deletion.
Coding change: c.1695del on transcript NM_001114753.3 (MANE Select); coding-DNA position 1695, one base deleted (T; older notation c.1695delT).
Protein change: p.His565fs; shifts the reading frame from histidine 565.
Molecular consequence: frameshift variant. On other transcripts: non-coding transcript variant (1).
Genome position (GRCh38, 1-based): chr9:127,817,195, A deleted on the plus strand (T on the coding strand, the reverse complement: ENG is on the minus strand). VCF-style (leftmost placement, unchanged base first): chr9-127817194-TA-T. GRCh37 (hg19) VCF-style: chr9-130579473-TA-T.
Other names: c.1695delT, p.His565Glnfs (NM_000118.4); c.1149del, p.His383fs (NM_001278138.2); short protein forms H383fs, H565fs.
Identifiers: ClinVar variation 957572 (VCV000957572.11), dbSNP rs1830345505, ClinGen allele CA1139659926.